The following is an entry in ClinVar:

NM_000053.4(ATP7B):c.2135G>T (p.Trp712Leu)

Gene: ATP7B (ATPase copper transporting beta; minus strand). Cytogenetic location: 13q14.3.
Variant type: single nucleotide variant.
Coding change: c.2135G>T on transcript NM_000053.4 (MANE Select); coding-DNA position 2135, G replaced by T.
Protein change: p.Trp712Leu; replaces tryptophan 712 with leucine.
Molecular consequence: missense variant. On other transcripts: intron variant (20).
Genome position (GRCh38, 1-based): chr13:51,958,531, C>A on the plus strand (G>T on the coding strand, the complement: ATP7B is on the minus strand). VCF-style: chr13-51958531-C-A. GRCh37 (hg19) VCF-style: chr13-52532667-C-A.
Other names: c.2135G>T, p.Trp712Leu (NM_001406535.1, NM_001406523.1, NM_001406525.1 and 7 more transcripts); c.1706G>T, p.Trp569Leu (NM_001406539.1); c.1883G>T, p.Trp628Leu (NM_001406540.1, NM_001406531.1, NM_001406532.1 and 1 more transcripts); c.1787G>T, p.Trp596Leu (NM_001406543.1); c.1870-924G>T (NM_001406541.1, NM_001005918.3, NM_001406546.1 and 1 more transcripts); c.2122-924G>T (NM_001406527.1, NM_001406528.1, NM_001406534.1 and 2 more transcripts); c.2122-131G>T (NM_001406537.1, NM_001406521.1, NM_001406522.1 and 1 more transcripts); c.1286-8370G>T (NM_001406548.1); and 8 more; short protein forms W569L, W596L, W601L, W628L, W680L, W701L, W712L.
Identifiers: ClinVar variation 3385437 (VCV003385437.1).

ClinVar aggregate classification (germline): Uncertain significance (1 of 4 stars; one submission).

Conditions:
Wilson disease (WND). Also called: Wilson's disease. Identifiers: Orphanet 905, MedGen C0019202, MONDO:0010200, OMIM 277900. Disease mechanism: loss of function.

gnomAD v4.1: 3 of 1,614,154 alleles (0.00019%); highest among the groups gnomAD compares: Non-Finnish European, 0.00025%; no homozygotes.

Submission:

All of Us Research Program, National Institutes of Health
Classification: Uncertain significance for Wilson disease. Last evaluated: 2024-07-20. Review status: criteria provided, single submitter. Criteria: ACMG Guidelines, 2015. Collection method: clinical testing. Allele origin: germline. Inheritance: Autosomal recessive inheritance. Observed: 1 variant allele, 1 heterozygote.
Comment: This missense variant replaces tryptophan with leucine at codon 712 of the ATP7B protein. Computational prediction is inconclusive regarding the impact of this variant on protein structure and function (internally defined REVEL score threshold 0.5 < inconclusive < 0.7, PMID: 27666373). To our knowledge, functional studies have not been reported for this variant. This variant has not been reported in individuals affected with ATP7B-related disorders in the literature. This variant has not been identified in the general population by the Genome Aggregation Database (gnomAD). The available evidence is insufficient to determine the role of this variant in disease conclusively. Therefore, this variant is classified as a Variant of Uncertain Significance.

This study involves interpretation of variants in research participants for the purpose of population health screening. Participant phenotype was not available at the time of variant classification. Additional details can be found in publication PMID: 35346344, PMCID: PMC8962531